The following is an entry in ClinVar:

ClinVar aggregate classification (germline): Uncertain significance (1 of 4 stars; one submission).

Conditions:
Leigh syndrome (NULS). Also called: Leigh's necrotizing encephalopathy; Leigh's disease; Leigh Syndrome (mtDNA deletion); Leigh Disease; Subacute necrotizing encephalopathy; Necrotizing encephalopathy infantile subacute of Leigh. Identifiers: Orphanet 506, MedGen C2931891, MONDO:0009723, OMIM 256000.

Submission:

Wong Mito Lab, Molecular and Human Genetics, Baylor College of Medicine
Classification: Uncertain significance for Leigh syndrome. Last evaluated: 2019-10-17. Review status: criteria provided, single submitter. Criteria: Modified ACMG Guidelines (Unpublished). Collection method: clinical testing. Allele origin: germline.
Comment: The NC_012920.1:m.9445G>A (YP_003024032.1:p.Arg80Gln) variant in MTCO3 gene is interpretated to be a Uncertain Significance variant based on the modified ACMG guidelines (unpublished). This variant meets the following evidence codes: PP6

NC_012920.1(MT-CO3):m.9445G>A

Gene: MT-CO3 (mitochondrially encoded cytochrome c oxidase III; plus strand).
Variant type: single nucleotide variant.
Genome position: chrM-9445-G-A.
Identifiers: ClinVar variation 693163 (VCV000693163.1), dbSNP rs1603222311, ClinGen allele CA414802958.